The following is an entry in ClinVar:

ClinVar aggregate classification (germline): Uncertain significance. Review status: criteria provided, multiple submitters, no conflicts (2 of 4 stars). 3 submissions from 3 submitters: Uncertain significance (3). Last evaluated 2025-08-20.

Conditions:
Charcot-Marie-Tooth disease type 4. Also called: Charcot-Marie-Tooth disease, type IV; Charcot-Marie-Tooth, Type 4. Identifiers: Orphanet 64749, MedGen C4082197, MONDO:0018995.
Inborn genetic diseases. Identifiers: MedGen C0950123, MeSH D030342.

Allele frequency attached by ClinVar (database versions not stated): TOPMed 0.00006; ESP Exome Variant Server 0.00008; 1000 Genomes Project 30x 0.00016; 1000 Genomes Project 0.00020.
gnomAD v4.1: 37 of 1,611,650 alleles (0.0023%); highest among the groups gnomAD compares: African/African-American, 0.0027%; no homozygotes.

Submissions (3):

Ambry Genetics
Classification: Uncertain significance for Inborn genetic diseases. Last evaluated: 2025-08-20. Review status: criteria provided, single submitter. Criteria: Ambry Variant Classification Scheme 2023. Collection method: clinical testing. Allele origin: germline.

Blueprint Genetics
Classification: Uncertain significance. Last evaluated: 2024-11-07. Review status: criteria provided, single submitter. Criteria: ACMG Guidelines, 2015. Collection method: clinical testing. Allele origin: germline.

Labcorp Genetics (formerly Invitae), Labcorp
Classification: Uncertain significance for Charcot-Marie-Tooth disease type 4. Last evaluated: 2024-11-04. Review status: criteria provided, single submitter. Criteria: Invitae Variant Classification Sherloc (09022015). Collection method: clinical testing. Allele origin: germline.
Comment: This sequence change replaces leucine, which is neutral and non-polar, with valine, which is neutral and non-polar, at codon 139 of the SBF2 protein (p.Leu139Val). This variant is present in population databases (rs146361949, gnomAD 0.01%). This variant has not been reported in the literature in individuals affected with SBF2-related conditions. ClinVar contains an entry for this variant (Variation ID: 543389). Invitae Evidence Modeling of protein sequence and biophysical properties (such as structural, functional, and spatial information, amino acid conservation, physicochemical variation, residue mobility, and thermodynamic stability) indicates that this missense variant is not expected to disrupt SBF2 protein function with a negative predictive value of 80%. In summary, the available evidence is currently insufficient to determine the role of this variant in disease. Therefore, it has been classified as a Variant of Uncertain Significance.

NM_030962.4(SBF2):c.415T>G (p.Leu139Val)

Gene: SBF2 (SET binding factor 2; minus strand). Cytogenetic location: 11p15.4.
Variant type: single nucleotide variant.
Coding change: c.415T>G on transcript NM_030962.4 (MANE Select); coding-DNA position 415, T replaced by G.
Protein change: p.Leu139Val; replaces leucine 139 with valine.
Molecular consequence: missense variant.
Genome position (GRCh38, 1-based): chr11:10,029,863, A>C on the plus strand (T>G on the coding strand, the complement: SBF2 is on the minus strand). VCF-style: chr11-10029863-A-C. GRCh37 (hg19) VCF-style: chr11-10051410-A-C.
Other names: c.415T>G, p.Leu139Val (NM_001386339.1, NM_001386342.1); short protein forms L139V.
Identifiers: ClinVar variation 543389 (VCV000543389.10), dbSNP rs146361949, ClinGen allele CA5882123.